The following is an entry in ClinVar:

NM_000540.3(RYR1):c.7835+4_7835+5delinsAG

Gene: RYR1 (ryanodine receptor 1; plus strand). Cytogenetic location: 19q13.2.
Variant type: Indel.
Coding change: c.7835+4_7835+5delinsAG on transcript NM_000540.3 (MANE Select); bases 4 to 5 of the intron after coding-DNA position 7835, GA replaced by AG.
Molecular consequence: intron variant.
Genome position (GRCh38, 1-based): chr19:38,502,731-38,502,732, GA replaced by AG. VCF-style: chr19-38502731-GA-AG. GRCh37 (hg19) VCF-style: chr19-38993371-GA-AG.
Other names: c.7835+4_7835+5delinsAG (NM_001042723.2).
Identifiers: ClinVar variation 1052859 (VCV001052859.5), dbSNP rs2145615354, ClinGen allele CA2499225470.

ClinVar aggregate classification (germline): Uncertain significance. Review status: criteria provided, multiple submitters, no conflicts (2 of 4 stars). 2 submissions from 2 submitters: Uncertain significance (2). Last evaluated 2025-06-24.

Conditions:
RYR1-related disorder. Also called: RYR1-related disorders; RYR1-related condition. Identifiers: MedGen CN239331.
Malignant hyperthermia, susceptibility to, 1 (MHS1). Also called: Anesthesia related hyperthermia; Malignant hyperpyrexia; Fulminating hyperpyrexia; Pharmacogenic myopathy; RYR1-Related Malignant Hyperthermia Susceptibility; Malignant hyperthermia suceptibility 1. Identifiers: Orphanet 423, MedGen C2930980, MONDO:0007783, OMIM 145600.

Submissions (2):

Color Diagnostics, LLC DBA Color Health
Classification: Uncertain significance for Malignant hyperthermia, susceptibility to, 1. Last evaluated: 2025-06-24. Review status: criteria provided, single submitter. Criteria: ACMG Guidelines, 2015. Collection method: clinical testing. Allele origin: germline.
Comment: This variant causes the deletion and insertion of 2 nucleotides at the +4 and +5 positions of intron 48 in the RYR1 gene. To our knowledge, functional studies have not been reported for this variant. This variant has not been reported in individuals affected with RYR1-related disorders in the literature. This variant has not been identified in the general population by the Genome Aggregation Database (gnomAD). The available evidence is insufficient to determine the role of this variant in disease conclusively. Therefore, this variant is classified as a Variant of Uncertain Significance.

Labcorp Genetics (formerly Invitae), Labcorp
Classification: Uncertain significance for RYR1-related disorder. Last evaluated: 2022-08-16. Review status: criteria provided, single submitter. Criteria: Invitae Variant Classification Sherloc (09022015). Collection method: clinical testing. Allele origin: germline.
Comment: This sequence change falls in intron 48 of the RYR1 gene. It does not directly change the encoded amino acid sequence of the RYR1 protein. It affects a nucleotide within the consensus splice site. Information on the frequency of this variant in the gnomAD database is not available, as this variant may be reported differently in the database. This variant has not been reported in the literature in individuals affected with RYR1-related conditions. ClinVar contains an entry for this variant (Variation ID: 1052859). Variants that disrupt the consensus splice site are a relatively common cause of aberrant splicing (PMID: 17576681, 9536098). Algorithms developed to predict the effect of sequence changes on RNA splicing suggest that this variant may create or strengthen a splice site. In summary, the available evidence is currently insufficient to determine the role of this variant in disease. Therefore, it has been classified as a Variant of Uncertain Significance.

Literature cited by the submitters: PubMed 17576681 (cited by Labcorp Genetics (formerly Invitae), Labcorp); PubMed 9536098 (cited by Labcorp Genetics (formerly Invitae), Labcorp).